The following is an entry in ClinVar:

NM_001382241.1(TNPO2):c.1621G>A (p.Ala541Thr)

Gene: TNPO2 (transportin 2; minus strand). Cytogenetic location: 19p13.13.
Variant type: single nucleotide variant.
Coding change: c.1621G>A on transcript NM_001382241.1 (MANE Select); coding-DNA position 1621, G replaced by A.
Protein change: p.Ala541Thr; replaces alanine 541 with threonine.
Molecular consequence: missense variant. On other transcripts: non-coding transcript variant (6).
Genome position (GRCh38, 1-based): chr19:12,706,243, C>T on the plus strand (G>A on the coding strand, the complement: TNPO2 is on the minus strand). VCF-style: chr19-12706243-C-T. GRCh37 (hg19) VCF-style: chr19-12817057-C-T.
Other names: c.1621G>A, p.Ala541Thr (NM_001136195.2, NM_001136196.2, NM_001382236.1 and 7 more transcripts); short protein forms A541T.
Identifiers: ClinVar variation 3346444 (VCV003346444.1).
Genomic context (GRCh38, chr19:12,706,243, plus strand): 5'-TCTGGGGTCTCACCGGCTGGTTGAGGTGGTGGCCTACAGAGTCGGCCAGGGTGCCAATGG[C>T]GTCATAGAGGATGAGCAGGTTCTTGTGCTGGTATTTCCCAAAGGCAAAGACAAGGGTGTC-3'
Protein context (NP_001369170.1, residues 531-551): QHKNLLILYD[Ala541Thr]IGTLADSVGH

ClinVar aggregate classification (germline): Uncertain significance (0 of 4 stars; one submission).

Conditions:
TNPO2-related disorder. Also called: TNPO2-related condition.

gnomAD v4.1: 1 of 1,613,890 alleles (0.000062%); highest among the groups gnomAD compares: Non-Finnish European, 0.000085%; no homozygotes.

Submission:

PreventionGenetics, part of Exact Sciences
Classification: Uncertain significance for TNPO2-related condition. Last evaluated: 2024-04-08. Review status: no assertion criteria provided. Collection method: clinical testing. Allele origin: germline.
Comment: The TNPO2 c.1621G>A variant is predicted to result in the amino acid substitution p.Ala541Thr. To our knowledge, this variant has not been reported in the literature or in a large population database, indicating this variant is rare. At this time, the clinical significance of this variant is uncertain due to the absence of conclusive functional and genetic evidence.